The following is an entry in ClinVar:

NM_015909.4(NBAS):c.4814T>G (p.Leu1605Arg)

Gene: NBAS (NBAS subunit of NRZ tethering complex; minus strand). Cytogenetic location: 2p24.3.
Variant type: single nucleotide variant.
Coding change: c.4814T>G on transcript NM_015909.4 (MANE Select); coding-DNA position 4814, T replaced by G.
Protein change: p.Leu1605Arg; replaces leucine 1605 with arginine.
Molecular consequence: missense variant. On other transcripts: non-coding transcript variant (1).
Genome position (GRCh38, 1-based): chr2:15,292,750, A>C on the plus strand (T>G on the coding strand, the complement: NBAS is on the minus strand). VCF-style: chr2-15292750-A-C. GRCh37 (hg19) VCF-style: chr2-15432874-A-C.
Other names: short protein forms L1605R.
Identifiers: ClinVar variation 1965130 (VCV001965130.3), dbSNP rs1670367967, ClinGen allele CA345890376.

ClinVar aggregate classification (germline): Uncertain significance (1 of 4 stars; one submission).

Allele frequency attached by ClinVar (database versions not stated): gnomAD exomes below 0.00001.
gnomAD v4.1: 6 of 1,614,222 alleles (0.00037%); highest among the groups gnomAD compares: Non-Finnish European, 0.00051%; no homozygotes.

Submission:

Labcorp Genetics (formerly Invitae), Labcorp
Classification: Uncertain significance. Last evaluated: 2022-10-13. Review status: criteria provided, single submitter. Criteria: Invitae Variant Classification Sherloc (09022015). Collection method: clinical testing. Allele origin: germline.
Comment: Algorithms developed to predict the effect of missense changes on protein structure and function (SIFT, PolyPhen-2, Align-GVGD) all suggest that this variant is likely to be disruptive. This variant has not been reported in the literature in individuals affected with NBAS-related conditions. This variant is not present in population databases (gnomAD no frequency). This sequence change replaces leucine, which is neutral and non-polar, with arginine, which is basic and polar, at codon 1605 of the NBAS protein (p.Leu1605Arg). In summary, the available evidence is currently insufficient to determine the role of this variant in disease. Therefore, it has been classified as a Variant of Uncertain Significance.